The following is an entry in ClinVar:

ClinVar aggregate classification (germline): Uncertain significance (1 of 4 stars; one submission).

Conditions:
Catecholaminergic polymorphic ventricular tachycardia 1. Also called: VENTRICULAR TACHYCARDIA, CATECHOLAMINERGIC POLYMORPHIC, 1, WITH OR WITHOUT ATRIAL DYSFUNCTION AND/OR DILATED CARDIOMYOPATHY; RYR2-Related Catecholaminergic Polymorphic Ventricular Tachycardia; VENTRICULAR TACHYCARDIA, STRESS-INDUCED POLYMORPHIC 1. Identifiers: Orphanet 3286, MedGen C1631597, MONDO:0011484, OMIM 604772.

Submission:

Labcorp Genetics (formerly Invitae), Labcorp
Classification: Uncertain significance for Catecholaminergic polymorphic ventricular tachycardia 1. Last evaluated: 2023-10-14. Review status: criteria provided, single submitter. Criteria: Invitae Variant Classification Sherloc (09022015). Collection method: clinical testing. Allele origin: germline.
Comment: This sequence change replaces serine, which is neutral and polar, with arginine, which is basic and polar, at codon 1206 of the RYR2 protein (p.Ser1206Arg). This variant is not present in population databases (gnomAD no frequency). This variant has not been reported in the literature in individuals affected with RYR2-related conditions. Advanced modeling of protein sequence and biophysical properties (such as structural, functional, and spatial information, amino acid conservation, physicochemical variation, residue mobility, and thermodynamic stability) has been performed at Invitae for this missense variant, however the output from this modeling did not meet the statistical confidence thresholds required to predict the impact of this variant on RYR2 protein function. In summary, the available evidence is currently insufficient to determine the role of this variant in disease. Therefore, it has been classified as a Variant of Uncertain Significance.

NM_001035.3(RYR2):c.3618C>A (p.Ser1206Arg)

Gene: RYR2 (ryanodine receptor 2; plus strand). Cytogenetic location: 1q43.
Variant type: single nucleotide variant.
Coding change: c.3618C>A on transcript NM_001035.3 (MANE Select); coding-DNA position 3618, C replaced by A.
Protein change: p.Ser1206Arg; replaces serine 1206 with arginine.
Molecular consequence: missense variant.
Genome position (GRCh38, 1-based): chr1:237,589,812, C>A. VCF-style: chr1-237589812-C-A. GRCh37 (hg19) VCF-style: chr1-237753112-C-A.
Other names: short protein forms S1206R.
Identifiers: ClinVar variation 2975575 (VCV002975575.3), dbSNP rs2546605992, ClinGen allele CA345396170.